The following is an entry in ClinVar:

ClinVar aggregate classification (germline): Uncertain significance (1 of 4 stars; one submission).

gnomAD v4.1: 1 of 1,613,444 alleles (0.000062%); highest among the groups gnomAD compares: African/African-American, 0.0013%; no homozygotes.

Submission:

Greenwood Genetic Center Diagnostic Laboratories, Greenwood Genetic Center
Classification: Uncertain significance. Last evaluated: 2025-02-17. Review status: criteria provided, single submitter. Criteria: ACMG Guidelines, 2015. Collection method: clinical testing. Allele origin: germline.
Comment: PM2, PP3

NM_018043.7(ANO1):c.713A>G (p.Asp238Gly)

Gene: ANO1 (anoctamin 1; plus strand). Cytogenetic location: 11q13.3.
Variant type: single nucleotide variant.
Coding change: c.713A>G on transcript NM_018043.7 (MANE Select); coding-DNA position 713, A replaced by G.
Protein change: p.Asp238Gly; replaces aspartic acid 238 with glycine.
Molecular consequence: missense variant. On other transcripts: non-coding transcript variant (1).
Genome position (GRCh38, 1-based): chr11:70,105,754, A>G. VCF-style: chr11-70105754-A-G. GRCh37 (hg19) VCF-style: chr11-69951860-A-G.
Other names: c.836A>G, p.Asp279Gly (NM_001378092.1); c.713A>G, p.Asp238Gly (NM_001378093.1, NM_001378094.2, NM_001378095.2 and 1 more transcripts); c.614A>G, p.Asp205Gly (NM_001378097.2); short protein forms D205G, D238G, D279G.
Identifiers: ClinVar variation 4851688 (VCV004851688.1).